The following is an entry in ClinVar:

NM_020706.2(SCAF4):c.26A>G (p.Gln9Arg)

Genes: SCAF4 (SR-related CTD associated factor 4; minus strand), LOC130066536 (ATAC-STARR-seq lymphoblastoid silent region 13243; plus strand). Cytogenetic location: 21q22.11.
Variant type: single nucleotide variant.
Coding change: c.26A>G on transcript NM_020706.2 (MANE Select); coding-DNA position 26, A replaced by G.
Protein change: p.Gln9Arg; replaces glutamine 9 with arginine.
Molecular consequence: missense variant.
Genome position (GRCh38, 1-based): chr21:31,731,667, T>C on the plus strand (A>G on the coding strand, the complement: SCAF4 is on the minus strand). VCF-style: chr21-31731667-T-C. GRCh37 (hg19) VCF-style: chr21-33103980-T-C.
Other names: c.26A>G, p.Gln9Arg (NM_001145444.1, NM_001145445.1); short protein forms Q9R.
Identifiers: ClinVar variation 2502704 (VCV002502704.1), dbSNP rs2516899509, ClinGen allele CA410046207.

ClinVar aggregate classification (germline): Uncertain significance (1 of 4 stars; one submission).

Allele frequency attached by ClinVar (database versions not stated): gnomAD exomes below 0.00001.
gnomAD v4.1: 1 of 1,585,332 alleles (0.000063%); highest among the groups gnomAD compares: East Asian, 0.0024%; no homozygotes.

Submission:

GeneDx
Classification: Uncertain significance. Last evaluated: 2022-11-17. Review status: criteria provided, single submitter. Criteria: GeneDx Variant Classification Process June 2021. Collection method: clinical testing. Allele origin: germline. Affected: yes.
Comment: Not observed at significant frequency in large population cohorts (gnomAD); In silico analysis supports that this missense variant does not alter protein structure/function; Has not been previously published as pathogenic or benign to our knowledge